The following is an entry in ClinVar:

NM_000132.4(F8):c.1316G>A (p.Gly439Asp)

Gene: F8 (coagulation factor VIII; minus strand). Cytogenetic location: Xq28.
Variant type: single nucleotide variant.
Coding change: c.1316G>A on transcript NM_000132.4 (MANE Select); coding-DNA position 1316, G replaced by A.
Protein change: p.Gly439Asp; replaces glycine 439 with aspartic acid.
Molecular consequence: missense variant.
Genome position (GRCh38, 1-based): chrX:154,966,097, C>T on the plus strand (G>A on the coding strand, the complement: F8 is on the minus strand). VCF-style: chrX-154966097-C-T. GRCh37 (hg19) VCF-style: chrX-154194372-C-T.
Other names: p.Gly439Asp; short protein forms G439D.
Identifiers: ClinVar variation 2683607 (VCV002683607.1), dbSNP rs1362305882, ClinGen allele CA414915105.

ClinVar aggregate classification (germline): Uncertain significance (1 of 4 stars; one submission).

Submission:

Mayo Clinic Laboratories, Mayo Clinic
Classification: Uncertain significance. Last evaluated: 2022-06-21. Review status: criteria provided, single submitter. Criteria: ACMG Guidelines, 2015. Collection method: clinical testing. Allele origin: germline. Observed: 1 variant allele.
Comment: PP3, PM2